The following is an entry in ClinVar:

ClinVar aggregate classification (germline): Uncertain significance. Review status: criteria provided, multiple submitters, no conflicts (2 of 4 stars). 3 submissions from 3 submitters: Uncertain significance (3). Last evaluated 2021-12-03.

Conditions:
Hereditary spastic paraplegia 7 (SPG7). Also called: SPG7-related neurologic disorder; Autosomal recessive spastic paraplegia type 7; SPASTIC PARAPLEGIA 7, AUTOSOMAL RECESSIVE, WITH OR WITHOUT CEREBELLAR ATAXIA; Spastic paraplegia 7; Hereditary spastic paraplegia Paraplegin type. Identifiers: Orphanet 99013, MedGen C1846564, MONDO:0011803, OMIM 607259.

Submissions (3):

Fulgent Genetics
Classification: Uncertain significance for Hereditary spastic paraplegia 7. Last evaluated: 2021-12-03. Review status: criteria provided, single submitter. Criteria: ACMG Guidelines, 2015. Collection method: clinical testing. Allele origin: unknown.

Labcorp Genetics (formerly Invitae), Labcorp
Classification: Uncertain significance for Hereditary spastic paraplegia 7. Last evaluated: 2021-09-17. Review status: criteria provided, single submitter. Criteria: Invitae Variant Classification Sherloc (09022015). Collection method: clinical testing. Allele origin: germline.
Comment: This variant, c.238_240del, results in the deletion of 1 amino acid(s) of the SPG7 protein (p.Leu80del), but otherwise preserves the integrity of the reading frame. This variant is present in population databases (rs527363502, ExAC 0.008%). This variant has not been reported in the literature in individuals affected with SPG7-related conditions. In summary, the available evidence is currently insufficient to determine the role of this variant in disease. Therefore, it has been classified as a Variant of Uncertain Significance.

GeneDx
Classification: Uncertain significance. Last evaluated: 2019-11-05. Review status: criteria provided, single submitter. Criteria: GeneDx Variant Classification Process June 2021. Collection method: clinical testing. Allele origin: germline. Affected: yes.
Comment: In-frame deletion of 1 amino acid in a non-repeat region; In silico analysis, which includes protein predictors and evolutionary conservation, supports a deleterious effect; Has not been previously published as pathogenic or benign to our knowledge

NM_003119.4(SPG7):c.232TTG[2] (p.Leu80del)

Gene: SPG7 (SPG7 matrix AAA peptidase subunit, paraplegin; plus strand). Cytogenetic location: 16q24.3.
Variant type: Microsatellite.
Coding change: c.232TTG[2] on transcript NM_003119.4 (MANE Select); two copies in a row of the 3-base unit TTG starting at c.232; the reference has three copies in a row; one copy, 3 bases deleted; also written c.238_240del.
Protein change: p.Leu80del; deletes leucine 80.
Molecular consequence: inframe deletion.
Genome position (GRCh38, 1-based): chr16:89,510,544-89,510,546, TTG deleted; deleting any 3 consecutive bases within chr16:89,510,538-89,510,546 gives the same sequence; the position shown is the placement nearest the transcript's 3' end. VCF-style (leftmost placement, unchanged base first): chr16-89510537-ATTG-A. GRCh37 (hg19) VCF-style: chr16-89576945-ATTG-A.
Other names: c.232TTG[2], p.Leu80del (NM_001363850.1, NM_199367.3); c.238_240del (NM_003119.4); short protein forms L80del.
Identifiers: ClinVar variation 844898 (VCV000844898.10), dbSNP rs527363502, ClinGen allele CA8243474.